The following is an entry in ClinVar:

ClinVar aggregate classification (germline): Uncertain significance (1 of 4 stars; one submission).

gnomAD v4.1: 4 of 1,572,438 alleles (0.00025%); highest among the groups gnomAD compares: Non-Finnish European, 0.00034%; no homozygotes.

Submission:

CeGaT Center for Human Genetics Tuebingen
Classification: Uncertain significance. Last evaluated: 2025-08-01. Review status: criteria provided, single submitter. Criteria: CeGaT Center For Human Genetics Tuebingen Variant Classification Criteria Version 2. Collection method: clinical testing. Allele origin: germline. Affected: yes. Observed: 2 variant alleles.
Comment: NEB: PM2, PM3:Supporting, PP3

NM_001164508.2(NEB):c.5451+5G>A

Gene: NEB (nebulin; minus strand). Cytogenetic location: 2q23.3.
Variant type: single nucleotide variant.
Coding change: c.5451+5G>A on transcript NM_001164508.2 (MANE Select); 5 bases into the intron after coding-DNA position 5451, G replaced by A.
Molecular consequence: intron variant.
Genome position (GRCh38, 1-based): chr2:151,664,496, C>T on the plus strand (G>A on the coding strand, the complement: NEB is on the minus strand). VCF-style: chr2-151664496-C-T. GRCh37 (hg19) VCF-style: chr2-152521010-C-T.
Other names: c.5451+5G>A (NM_004543.5, NM_001164507.2, NM_001271208.2).
Identifiers: ClinVar variation 4085479 (VCV004085479.8).